The following is an entry in ClinVar:

NM_152703.5(SAMD9L):c.[1076G>A;3353A>G]

Variant type: Haplotype.
Identifiers: ClinVar variation 2498159 (VCV002498159.1).

ClinVar aggregate classification (germline): Likely pathogenic (1 of 4 stars; one submission).

Conditions:
Ataxia-pancytopenia syndrome (ATXPC). Also called: SAMD9L Ataxia-Pancytopenia Syndrome; SAMD9L-Related Syndrome. Identifiers: Orphanet 2585, MedGen C1327919, MONDO:0008038, OMIM 159550.

Submission:

Oxford Medical Genetics Laboratories, Oxford University Hospitals NHS Foundation Trust
Classification: Likely pathogenic for Ataxia-pancytopenia syndrome. Last evaluated: 2023-03-23. Review status: criteria provided, single submitter. Criteria: ACMG Guidelines, 2015. Collection method: clinical testing. Allele origin: de novo. Affected: yes.
Comment: Both variants were de novo and on the same allele.

Literature cited by the submitters: PubMed 31015479.